The following is an entry in ClinVar:

NM_000814.6(GABRB3):c.581G>A (p.Arg194Gln)

Gene: GABRB3 (gamma-aminobutyric acid type A receptor subunit beta3; minus strand). Cytogenetic location: 15q12.
Variant type: single nucleotide variant.
Coding change: c.581G>A on transcript NM_000814.6 (MANE Select); coding-DNA position 581, G replaced by A.
Protein change: p.Arg194Gln; replaces arginine 194 with glutamine.
Molecular consequence: missense variant.
Genome position (GRCh38, 1-based): chr15:26,580,420, C>T on the plus strand (G>A on the coding strand, the complement: GABRB3 is on the minus strand). VCF-style: chr15-26580420-C-T. GRCh37 (hg19) VCF-style: chr15-26825567-C-T.
Other names: c.326G>A, p.Arg109Gln (NM_001191320.2, NM_001278631.2); c.368G>A, p.Arg123Gln (NM_001191321.3); c.581G>A, p.Arg194Gln (NM_021912.5); short protein forms R109Q, R123Q, R194Q.
Identifiers: ClinVar variation 1205481 (VCV001205481.23), dbSNP rs369581041, ClinGen allele CA268156810.
Genomic context (GRCh38, chr15:26,580,420, plus strand): 5'-ACGATGGAGAACTGCGGGAGCTCAATCCTTTCCACTCCGGTAACAGCCTTGTCCCCGCCT[C>T]GCCAGTAAAACTCAATGTCATCCGTGGTGTAGCCATCTGCCAAGAGAGAAGCAGGGAGAC-3'
Protein context (NP_000805.1, residues 184-204): YTTDDIEFYW[Arg194Gln]GGDKAVTGVE

ClinVar aggregate classification (germline): Uncertain significance. Review status: criteria provided, multiple submitters, no conflicts (2 of 4 stars). 4 submissions from 4 submitters: Uncertain significance (4). Last evaluated 2024-11-01.

Conditions:
Developmental and epileptic encephalopathy, 43 (DEE43). Also called: Epileptic encephalopathy, early infantile, 43. Identifiers: MedGen C4310712, MONDO:0014921, OMIM 617113.
Epilepsy, childhood absence, susceptibility to, 5. Identifiers: Orphanet 64280, MedGen C2677087, MONDO:0012843, OMIM 612269.
Epilepsy, childhood absence, susceptibility to, 1. Also called: Epilepsy, childhood absence 1. Identifiers: Orphanet 64280, MedGen C1838604, MONDO:0020759, OMIM 600131.

Allele frequency attached by ClinVar (database versions not stated): gnomAD exomes below 0.00001; TOPMed below 0.00001; ESP Exome Variant Server 0.00008.
gnomAD v4.1: 3 of 1,614,134 alleles (0.00019%); highest among the groups gnomAD compares: Non-Finnish European, 0.00025%; no homozygotes.

Submissions (4):

CeGaT Center for Human Genetics Tuebingen
Classification: Uncertain significance. Last evaluated: 2024-11-01. Review status: criteria provided, single submitter. Criteria: CeGaT Center For Human Genetics Tuebingen Variant Classification Criteria Version 2. Collection method: clinical testing. Allele origin: germline. Affected: yes. Observed: 1 variant allele.
Comment: GABRB3: PP2, PS3:Supporting, BP4

Labcorp Genetics (formerly Invitae), Labcorp
Classification: Uncertain significance for Epilepsy, childhood absence, susceptibility to, 5; Epilepsy, childhood absence, susceptibility to, 1. Last evaluated: 2024-06-04. Review status: criteria provided, single submitter. Criteria: Invitae Variant Classification Sherloc (09022015). Collection method: clinical testing. Allele origin: germline.
Comment: This sequence change replaces arginine, which is basic and polar, with glutamine, which is neutral and polar, at codon 194 of the GABRB3 protein (p.Arg194Gln). This variant is not present in population databases (gnomAD no frequency). This variant has not been reported in the literature in individuals affected with GABRB3-related conditions. ClinVar contains an entry for this variant (Variation ID: 1205481). Advanced modeling of protein sequence and biophysical properties (such as structural, functional, and spatial information, amino acid conservation, physicochemical variation, residue mobility, and thermodynamic stability) performed at Invitae indicates that this missense variant is not expected to disrupt GABRB3 protein function with a negative predictive value of 95%. Experimental studies have shown that this missense change affects GABRB3 function (PMID: 27622563). In summary, the available evidence is currently insufficient to determine the role of this variant in disease. Therefore, it has been classified as a Variant of Uncertain Significance.

GeneDx
Classification: Uncertain significance. Last evaluated: 2021-06-26. Review status: criteria provided, single submitter. Criteria: GeneDx Variant Classification Process June 2021. Collection method: clinical testing. Allele origin: germline. Affected: yes.
Comment: Functional studies of R194Q variant demonstrated a reduction of GABA receptor gating (Hernandez et al., 2016).; Not observed at a significant frequency in large population cohorts (Lek et al., 2016); In silico analysis supports that this missense variant does not alter protein structure/function; This variant is associated with the following publications: (PMID: 27535533, 27622563)

Revvity Omics, Revvity
Classification: Uncertain significance for Developmental and epileptic encephalopathy, 43. Last evaluated: 2019-01-25. Review status: criteria provided, single submitter. Criteria: ACMG Guidelines, 2015. Collection method: clinical testing. Allele origin: germline.

Literature cited by the submitters: PubMed 27622563 (cited by Labcorp Genetics (formerly Invitae), Labcorp).